The following is an entry in ClinVar:

NM_000135.4(FANCA):c.440C>T (p.Ser147Phe)

Gene: FANCA (FA complementation group A; minus strand). Cytogenetic location: 16q24.3.
Variant type: single nucleotide variant.
Coding change: c.440C>T on transcript NM_000135.4 (MANE Select); coding-DNA position 440, C replaced by T.
Protein change: p.Ser147Phe; replaces serine 147 with phenylalanine.
Molecular consequence: missense variant. On other transcripts: intron variant (1).
Genome position (GRCh38, 1-based): chr16:89,810,789, G>A on the plus strand (C>T on the coding strand, the complement: FANCA is on the minus strand). VCF-style: chr16-89810789-G-A. GRCh37 (hg19) VCF-style: chr16-89877197-G-A.
Other names: c.440C>T, p.Ser147Phe (NM_001018112.3, NM_001286167.3); c.426+140C>T (NM_001351830.2); short protein forms S147F.
Identifiers: ClinVar variation 3848213 (VCV003848213.3).

ClinVar aggregate classification (germline): Uncertain significance. Review status: criteria provided, multiple submitters, no conflicts (2 of 4 stars). 2 submissions from 2 submitters: Uncertain significance (2). Last evaluated 2025-04-16.

Conditions:
Inborn genetic diseases. Identifiers: MedGen C0950123, MeSH D030342.

gnomAD v4.1: 6 of 1,613,030 alleles (0.00037%); highest among the groups gnomAD compares: Admixed American, 0.0017%; no homozygotes.

Submissions (2):

Dasa
Classification: Uncertain significance. Last evaluated: 2025-04-16. Review status: criteria provided, single submitter. Criteria: DASA Assertion Criteria. Collection method: clinical testing. Allele origin: germline.
Comment: NM_000135.4(FANCA):c.440C>T (p.Ser147Phe) is a missense variant that results in the substitution of serine with phenylalanine. This variant is rare in population databases. Computational prediction algorithms are consistent with a benign effect. The currently available literature and clinical evidence are not sufficient to establish a definitive association between this variant and the reported condition. Therefore, this variant is classified as a variant of uncertain significance.

Ambry Genetics
Classification: Uncertain significance for Inborn genetic diseases. Last evaluated: 2025-02-09. Review status: criteria provided, single submitter. Criteria: Ambry Variant Classification Scheme 2023. Collection method: clinical testing. Allele origin: germline.
Comment: The p.S147F variant (also known as c.440C>T), located in coding exon 5 of the FANCA gene, results from a C to T substitution at nucleotide position 440. The serine at codon 147 is replaced by phenylalanine, an amino acid with highly dissimilar properties. This amino acid position is conserved. In addition, the in silico prediction for this alteration is inconclusive. Based on the available evidence, the clinical significance of this variant remains unclear.